The following is an entry in ClinVar:

ClinVar aggregate classification (germline): Conflicting classifications of pathogenicity. Review status: criteria provided, conflicting classifications (1 of 4 stars). 2 submissions from 2 submitters: Likely pathogenic (1); Uncertain significance (1). Last evaluated 2024-10-13.

Conditions:
Hereditary leiomyomatosis and renal cell cancer. Also called: LEIOMYOMA, MULTIPLE CUTANEOUS; Reed syndrome; Multiple cutaneous and uterine leiomyomatosis; Cutaneous leiomyomata with uterine leiomyomata; Leiomyoma, hereditary multiple, of skin; Multiple cutaneous and uterine leiomyomata. Identifiers: Orphanet 523, MedGen C1708350, MONDO:0007888, OMIM 150800, HP:0007437. Disease mechanism: loss of function.

Submissions (2):

Labcorp Genetics (formerly Invitae), Labcorp
Classification: Likely pathogenic. Last evaluated: 2024-10-13. Review status: criteria provided, single submitter. Criteria: Invitae Variant Classification Sherloc (09022015). Collection method: clinical testing. Allele origin: germline.
Comment: This sequence change replaces alanine, which is neutral and non-polar, with glutamic acid, which is acidic and polar, at codon 475 of the FH protein (p.Ala475Glu). This variant is not present in population databases (gnomAD no frequency). This missense change has been observed in individual(s) with hereditary leiomyomatosis and renal cell cancer (internal data). It has also been observed to segregate with disease in related individuals. ClinVar contains an entry for this variant (Variation ID: 214427). Invitae Evidence Modeling of protein sequence and biophysical properties (such as structural, functional, and spatial information, amino acid conservation, physicochemical variation, residue mobility, and thermodynamic stability) indicates that this missense variant is expected to disrupt FH protein function with a positive predictive value of 95%. In summary, the currently available evidence indicates that the variant is pathogenic, but additional data are needed to prove that conclusively. Therefore, this variant has been classified as Likely Pathogenic.

Genomic Diagnostic Laboratory, Division of Genomic Diagnostics, Children's Hospital of Philadelphia
Classification: Uncertain significance for Hereditary leiomyomatosis and renal cell cancer. Last evaluated: 2017-01-17. Review status: criteria provided, single submitter. Criteria: DGD Variant Analysis Guidelines. Collection method: clinical testing. Allele origin: germline. Affected: yes. Observed: 1 variant allele.
Comment: Clinical Testing

NM_000143.4(FH):c.1424C>A (p.Ala475Glu)

Gene: FH (fumarate hydratase; minus strand). Cytogenetic location: 1q43.
Variant type: single nucleotide variant.
Coding change: c.1424C>A on transcript NM_000143.4 (MANE Select); coding-DNA position 1424, C replaced by A.
Protein change: p.Ala475Glu; replaces alanine 475 with glutamic acid.
Molecular consequence: missense variant.
Genome position (GRCh38, 1-based): chr1:241,497,937, G>T on the plus strand (C>A on the coding strand, the complement: FH is on the minus strand). VCF-style: chr1-241497937-G-T. GRCh37 (hg19) VCF-style: chr1-241661237-G-T.
Other names: short protein forms A475E.
Identifiers: ClinVar variation 214427 (VCV000214427.4), dbSNP rs863224012, ClinGen allele CA319934.
Genomic context (GRCh38, chr1:241,497,937, plus strand): 5'-TCTGCTGTGAGATAGCCAAGTTCGATAGCAGTTTCCTTTAAGGTTGATCCATTTTTGTGT[G>T]CTGTCTTAGCAATCTTTGCTGCCTTGTCATACCCTGAAGAAAAAATAAAAAGACGACATA-3'
Protein context (NP_000134.2, residues 465-485): YDKAAKIAKT[Ala475Glu]HKNGSTLKET